The following is an entry in ClinVar:

ClinVar aggregate classification (germline): Uncertain significance. Review status: criteria provided, multiple submitters, no conflicts (2 of 4 stars). 3 submissions from 3 submitters: Uncertain significance (3). Last evaluated 2025-10-26.

Conditions:
Hereditary cancer-predisposing syndrome. Also called: Tumor predisposition; Hereditary Cancer Syndrome; Hereditary neoplastic syndrome; Neoplastic Syndromes, Hereditary. Identifiers: Orphanet 140162, MedGen C0027672, MeSH D009386, MONDO:0015356.
Pheochromocytoma. Also called: MAX-Related Hereditary Paraganglioma-Pheochromocytoma Syndrome. Identifiers: Orphanet 29072, MedGen C0031511, MONDO:0008233, OMIM 171300, HP:0002666.
Gastrointestinal stromal tumor. Also called: Gastrointestinal stroma tumor; Gastrointestinal stromal tumor, somatic. Identifiers: Orphanet 44890, MedGen C0238198, MeSH D046152, MONDO:0011719, OMIM 606764, HP:0100723.
Pheochromocytoma/paraganglioma syndrome 4. Also called: CAROTID BODY TUMORS AND MULTIPLE EXTRAADRENAL PHEOCHROMOCYTOMAS; PARAGANGLIOMA, FAMILIAL MALIGNANT; PARAGANGLIOMAS, HEREDITARY EXTRAADRENAL; PHEOCHROMOCYTOMA, FAMILIAL EXTRAADRENAL; Paragangliomas 4; SDHB-Related Hereditary Paraganglioma-Pheochromocytoma Syndrome (Paragangliomas 4). Identifiers: Orphanet 29072, MedGen C1861848, MONDO:0007273, OMIM 115310.
Hereditary pheochromocytoma and paraganglioma. Also called: Hereditary pheochromocytoma-paraganglioma; Hereditary paragangliomas and pheochromocytomas; Hereditary Paraganglioma-Pheochromocytoma Syndromes. Identifiers: Orphanet 29072, MedGen C4274332, MONDO:0017366.

Submissions (3):

Ambry Genetics
Classification: Uncertain significance for Hereditary cancer-predisposing syndrome. Last evaluated: 2025-10-26. Review status: criteria provided, single submitter. Criteria: Ambry Variant Classification Scheme 2023. Collection method: clinical testing. Allele origin: germline.
Comment: The p.S26F variant (also known as c.77C>T), located in coding exon 2 of the SDHB gene, results from a C to T substitution at nucleotide position 77. The serine at codon 26 is replaced by phenylalanine, an amino acid with highly dissimilar properties. This amino acid position is conserved. In addition, the in silico prediction for this alteration is inconclusive. Based on the available evidence, the clinical significance of this variant remains unclear.

Color Diagnostics, LLC DBA Color Health
Classification: Uncertain significance for Hereditary pheochromocytoma and paraganglioma. Last evaluated: 2025-07-08. Review status: criteria provided, single submitter. Criteria: ACMG Guidelines, 2015. Collection method: clinical testing. Allele origin: germline.
Comment: This missense variant replaces serine with phenylalanine at codon 26 of the SDHB protein. Computational prediction suggests that this variant may not impact protein structure and function. To our knowledge, functional studies have not been reported for this variant. This variant has not been reported in individuals affected with SDHB-related disorders in the literature. This variant has not been identified in the general population by the Genome Aggregation Database (gnomAD). The available evidence is insufficient to determine the role of this variant in disease conclusively. Therefore, this variant is classified as a Variant of Uncertain Significance.

Labcorp Genetics (formerly Invitae), Labcorp
Classification: Uncertain significance for Gastrointestinal stromal tumor; Pheochromocytoma/paraganglioma syndrome 4; Pheochromocytoma. Last evaluated: 2025-01-05. Review status: criteria provided, single submitter. Criteria: Invitae Variant Classification Sherloc (09022015). Collection method: clinical testing. Allele origin: germline.
Comment: This sequence change replaces serine, which is neutral and polar, with phenylalanine, which is neutral and non-polar, at codon 26 of the SDHB protein (p.Ser26Phe). This variant is not present in population databases (gnomAD no frequency). This variant has not been reported in the literature in individuals affected with SDHB-related conditions. ClinVar contains an entry for this variant (Variation ID: 1980681). Invitae Evidence Modeling of protein sequence and biophysical properties (such as structural, functional, and spatial information, amino acid conservation, physicochemical variation, residue mobility, and thermodynamic stability) indicates that this missense variant is not expected to disrupt SDHB protein function with a negative predictive value of 95%. In summary, the available evidence is currently insufficient to determine the role of this variant in disease. Therefore, it has been classified as a Variant of Uncertain Significance.

NM_003000.3(SDHB):c.77C>T (p.Ser26Phe)

Gene: SDHB (succinate dehydrogenase complex iron sulfur subunit B; minus strand). Cytogenetic location: 1p36.13.
Variant type: single nucleotide variant.
Coding change: c.77C>T on transcript NM_003000.3 (MANE Select); coding-DNA position 77, C replaced by T.
Protein change: p.Ser26Phe; replaces serine 26 with phenylalanine.
Molecular consequence: missense variant.
Genome position (GRCh38, 1-based): chr1:17,044,884, G>A on the plus strand (C>T on the coding strand, the complement: SDHB is on the minus strand). VCF-style: chr1-17044884-G-A. GRCh37 (hg19) VCF-style: chr1-17371379-G-A.
Other names: c.77C>T, p.Ser26Phe (NM_001407361.1); short protein forms S26F.
Identifiers: ClinVar variation 1980681 (VCV001980681.5), dbSNP rs2525060140, ClinGen allele CA338228412.